The following is an entry in ClinVar:

ClinVar aggregate classification (germline): Conflicting classifications of pathogenicity. Review status: criteria provided, conflicting classifications (1 of 4 stars). 2 submissions from 2 submitters: Uncertain significance (1); Likely benign (1). Last evaluated 2025-05-08.

Conditions:
Tuberous sclerosis 2 (TSC2). Identifiers: Orphanet 805, MedGen C1860707, MONDO:0013199, OMIM 613254.

Allele frequency attached by ClinVar (database versions not stated): gnomAD exomes below 0.00001.
gnomAD v4.1: 1 of 1,609,194 alleles (0.000062%); highest among the groups gnomAD compares: South Asian, 0.0011%; no homozygotes.

Submissions (2):

Myriad Genetics, Inc.
Classification: Likely benign for Tuberous sclerosis 2. Last evaluated: 2025-05-08. Review status: criteria provided, single submitter. Criteria: Myriad Autosomal Dominant, Autosomal Recessive and X-Linked Classification Criteria (2023). Collection method: clinical testing. Allele origin: unknown.
Comment: This variant is considered likely benign. This variant is intronic and is not expected to impact mRNA splicing.

Labcorp Genetics (formerly Invitae), Labcorp
Classification: Uncertain significance for Tuberous sclerosis 2. Last evaluated: 2023-10-18. Review status: criteria provided, single submitter. Criteria: Invitae Variant Classification Sherloc (09022015). Collection method: clinical testing. Allele origin: germline.
Comment: This sequence change falls in intron 6 of the TSC2 gene. It does not directly change the encoded amino acid sequence of the TSC2 protein. This variant is not present in population databases (gnomAD no frequency). This variant has not been reported in the literature in individuals affected with TSC2-related conditions. Algorithms developed to predict the effect of sequence changes on RNA splicing suggest that this variant may disrupt the consensus splice site. In summary, the available evidence is currently insufficient to determine the role of this variant in disease. Therefore, it has been classified as a Variant of Uncertain Significance.

NM_000548.5(TSC2):c.599+9A>G

Gene: TSC2 (TSC complex subunit 2; plus strand). Cytogenetic location: 16p13.3.
Variant type: single nucleotide variant.
Coding change: c.599+9A>G on transcript NM_000548.5 (MANE Select); 9 bases into the intron after coding-DNA position 599, A replaced by G.
Molecular consequence: intron variant.
Genome position (GRCh38, 1-based): chr16:2,055,528, A>G. VCF-style: chr16-2055528-A-G. GRCh37 (hg19) VCF-style: chr16-2105529-A-G.
Other names: c.-1049+9A>G (NM_001406693.1); c.689+9A>G (NM_001406667.1, NM_001406668.1); c.-218+9A>G (NM_001406680.1, NM_001406683.1, NM_001406687.1); c.-833+9A>G (NM_001406689.1, NM_001406690.1, NM_001406692.1 and 2 more transcripts); c.-1009+9A>G (NM_001406698.1); c.599+9A>G (NM_001114382.3, NM_001406663.1, NM_001406664.1 and 8 more transcripts); c.-714+9A>G (NM_001406694.1, NM_001406695.1); c.-821+9A>G (NM_001406696.1); and 6 more.
Identifiers: ClinVar variation 2984777 (VCV002984777.4), dbSNP rs2548437341, ClinGen allele CA2631113465.